The following is an entry in ClinVar:

ClinVar aggregate classification (germline): Pathogenic (1 of 4 stars; one submission).

Conditions:
Cystic fibrosis (CF). Also called: MUCOVISCIDOSIS. Identifiers: Orphanet 586, MedGen C0010674, MONDO:0009061, OMIM 219700. Disease mechanism: loss of function.

Submission:

Labcorp Genetics (formerly Invitae), Labcorp
Classification: Pathogenic for Cystic fibrosis. Last evaluated: 2019-11-27. Review status: criteria provided, single submitter. Criteria: Invitae Variant Classification Sherloc (09022015). Collection method: clinical testing. Allele origin: germline.
Comment: This variant is an out-of-frame deletion of the genomic region encompassing exon 21 of the CFTR gene. This is expected to create a premature translational stop signal and result in an absent or disrupted protein product. This variant has not been reported in the literature in individuals with CFTR-related conditions. Loss-of-function variants in CFTR are known to be pathogenic (PMID: 1695717, 7691345, 9725922). For these reasons, this variant has been classified as Pathogenic.

NC_000007.14:g.(?_117614603)_(117614764_?)del

Gene: CFTR (CF transmembrane conductance regulator; plus strand). Cytogenetic location: 7q31.2.
Variant type: Deletion.
Identifiers: ClinVar variation 830421 (VCV000830421.1).